The following is an entry in ClinVar:

ClinVar aggregate classification (germline): Uncertain significance. Review status: no assertion criteria provided (0 of 4 stars). 2 submissions from 2 submitters: Uncertain significance (2). Last evaluated 2019-08-01.

Conditions:
Neurodegeneration, childhood-onset, stress-induced, with variable ataxia and seizures. Identifiers: Orphanet 694922, MedGen C4748527, MONDO:0100095, OMIM 618170.
Progressive sensorineural hearing impairment. Identifiers: MedGen C1843156, HP:0000408.
Loss of consciousness. Identifiers: MedGen C0041657, HP:0007185.
Progressive gait ataxia. Identifiers: MedGen C1843885, HP:0007240.
Atypical absence seizure. Also called: Atypical absence seizures. Identifiers: MedGen C0595948, HP:0007270.
Axial hypotonia. Also called: Muscular hypotonia of the trunk. Identifiers: MedGen C1853743, HP:0008936.
Abdominal distention. Identifiers: MedGen C0000731, HP:0003270.
Bilateral sensorineural hearing impairment. Also called: Bilateral sensorineural hearing loss. Identifiers: MedGen C0452138, HP:0008619.
Delayed speech and language development. Also called: Language delay. Identifiers: MedGen C0454644, HP:0000750.

Submissions (2):

Human Genetics Department, Tarbiat Modares University
Classification: Uncertain significance for Delayed speech and language development; Progressive gait ataxia; Atypical absence seizure; Axial hypotonia; Progressive sensorineural hearing impairment; Bilateral sensorineural hearing impairment; Abdominal distention; Loss of consciousness. Last evaluated: 2019-08-01. Review status: no assertion criteria provided. Collection method: clinical testing. Allele origin: inherited. Inheritance: Autosomal recessive inheritance. Affected: yes. Observed: 1 homozygote.
Comment: The birth-time measured head circumference was reported as normal. The seizure was controlled by administrating proper anti-seizure medications. Routine cerebrospinal fluid analysis (CSF) and CSF viral PCR for herpes simplex virus (HSV), Varicella zoster virus (VZV), enteroviruses, mumps, rubella, and measles viruses were also normal. Anti-seizure medications were stopped due to concern about brain death according to EEG monitoring findings. Feeding was stopped through NG tube due to progressive abdominal distension and total parenteral nutrition (TPN) was conducted to prevent nutritional imbalance. Second brain MRI, done during PICU admission, showed a progressive cerebral and cerebellar atrophy with more prominent deep white matter signal changes in posterior periventricular area. To achieve an accurate molecular diagnosis, WES was performed.

Myelin Disorders Clinic-Children's Medical Center/Medical Genetics Lab-Tarbiat Modares University, Children's Medical Center, Pediatrics Center of Excellence,
Classification: Uncertain significance for Neurodegeneration, childhood-onset, stress-induced, with variable ataxia and seizures. Review status: no assertion criteria provided. Collection method: clinical testing. Allele origin: inherited. Inheritance: Autosomal recessive inheritance. Affected: yes.

NM_017825.3(ADPRS):c.639_642del (p.Lys213fs)

Gene: ADPRS (ADP-ribosylserine hydrolase; plus strand). Cytogenetic location: 1p34.3.
Variant type: Deletion.
Coding change: c.639_642del on transcript NM_017825.3 (MANE Select); coding-DNA positions 639 to 642, 4 bases deleted (GCAA; older notation c.639_642delGCAA).
Protein change: p.Lys213fs; shifts the reading frame from lysine 213.
Molecular consequence: frameshift variant.
Genome position (GRCh38, 1-based): chr1:36,092,032-36,092,035, GCAA deleted; deleting any 4 consecutive bases within chr1:36,092,029-36,092,035 gives the same sequence; the c. name uses the placement nearest the transcript's 3' end. VCF-style (leftmost placement, unchanged base first): chr1-36092028-TCAAG-T. GRCh37 (hg19) VCF-style: chr1-36557629-TCAAG-T.
Other names: c.636_639del (NM_017825.3); short protein forms K213fs.
Identifiers: ClinVar variation 870372 (VCV000870372.4), dbSNP rs1643491610, ClinGen allele CA916082012.